The following is an entry in ClinVar:

NM_000441.2(SLC26A4):c.1444T>C (p.Trp482Arg)

Gene: SLC26A4 (solute carrier family 26 member 4; plus strand). Cytogenetic location: 7q22.3.
Variant type: single nucleotide variant.
Coding change: c.1444T>C on transcript NM_000441.2 (MANE Select); coding-DNA position 1444, T replaced by C.
Protein change: p.Trp482Arg; replaces tryptophan 482 with arginine.
Molecular consequence: missense variant.
Genome position (GRCh38, 1-based): chr7:107,695,939, T>C. VCF-style: chr7-107695939-T-C. GRCh37 (hg19) VCF-style: chr7-107336384-T-C.
Other names: short protein forms W482R.
Identifiers: ClinVar variation 2988253 (VCV002988253.3), dbSNP rs2129317141, ClinGen allele CA368841189.

ClinVar aggregate classification (germline): Pathogenic (1 of 4 stars; one submission).

Submission:

Labcorp Genetics (formerly Invitae), Labcorp
Classification: Pathogenic. Last evaluated: 2023-12-01. Review status: criteria provided, single submitter. Criteria: Invitae Variant Classification Sherloc (09022015). Collection method: clinical testing. Allele origin: germline.
Comment: This sequence change replaces tryptophan, which is neutral and slightly polar, with arginine, which is basic and polar, at codon 482 of the SLC26A4 protein (p.Trp482Arg). This variant is not present in population databases (gnomAD no frequency). This missense change has been observed in individual(s) with SLC26A4-related conditions (Invitae). In at least one individual the data is consistent with being in trans (on the opposite chromosome) from a pathogenic variant. Advanced modeling of protein sequence and biophysical properties (such as structural, functional, and spatial information, amino acid conservation, physicochemical variation, residue mobility, and thermodynamic stability) performed at Invitae indicates that this missense variant is expected to disrupt SLC26A4 protein function with a positive predictive value of 95%. For these reasons, this variant has been classified as Pathogenic.